The following is an entry in ClinVar:

NM_139343.3(BIN1):c.1766C>T (p.Thr589Ile)

Gene: BIN1 (bridging integrator 1; minus strand). Cytogenetic location: 2q14.3.
Variant type: single nucleotide variant.
Coding change: c.1766C>T on transcript NM_139343.3 (MANE Select); coding-DNA position 1766, C replaced by T.
Protein change: p.Thr589Ile; replaces threonine 589 with isoleucine.
Molecular consequence: missense variant.
Genome position (GRCh38, 1-based): chr2:127,048,542, G>A on the plus strand (C>T on the coding strand, the complement: BIN1 is on the minus strand). VCF-style: chr2-127048542-G-A. GRCh37 (hg19) VCF-style: chr2-127806118-G-A.
Other names: c.1259C>T, p.Thr420Ile (NM_001320632.2); c.1397C>T, p.Thr466Ile (NM_001320633.2); c.1142C>T, p.Thr381Ile (NM_001320634.1); c.1526C>T, p.Thr509Ile (NM_001320640.2); c.1673C>T, p.Thr558Ile (NM_001320641.2); c.1685C>T, p.Thr562Ile (NM_001320642.1); c.1349C>T, p.Thr450Ile (NM_004305.4); c.1637C>T, p.Thr546Ile (NM_139344.3); and 7 more; short protein forms T381I, T405I, T420I, T471I, T493I, T558I, T435I, T478I.
Identifiers: ClinVar variation 2072491 (VCV002072491.4), dbSNP rs748600944, ClinGen allele CA1856926.

ClinVar aggregate classification (germline): Uncertain significance (1 of 4 stars; one submission).

Conditions:
Myopathy, centronuclear, 2 (CNM2). Also called: MYOTUBULAR MYOPATHY, AUTOSOMAL RECESSIVE. Identifiers: Orphanet 169186, MedGen CN031787, MONDO:0009709, OMIM 255200.

Allele frequency attached by ClinVar (database versions not stated): gnomAD exomes 0.00001; ExAC 0.00001.
gnomAD v4.1: 3 of 1,613,998 alleles (0.00019%); highest among the groups gnomAD compares: Non-Finnish European, 0.00025%; no homozygotes.

Submission:

Labcorp Genetics (formerly Invitae), Labcorp
Classification: Uncertain significance for Myopathy, centronuclear, 2. Last evaluated: 2022-07-12. Review status: criteria provided, single submitter. Criteria: Invitae Variant Classification Sherloc (09022015). Collection method: clinical testing. Allele origin: germline.
Comment: This sequence change replaces threonine, which is neutral and polar, with isoleucine, which is neutral and non-polar, at codon 589 of the BIN1 protein (p.Thr589Ile). This variant is present in population databases (rs748600944, gnomAD 0.003%). This variant has not been reported in the literature in individuals affected with BIN1-related conditions. Algorithms developed to predict the effect of missense changes on protein structure and function are either unavailable or do not agree on the potential impact of this missense change (SIFT: "Deleterious"; PolyPhen-2: "Probably Damaging"; Align-GVGD: "Class C0"). In summary, the available evidence is currently insufficient to determine the role of this variant in disease. Therefore, it has been classified as a Variant of Uncertain Significance.